The following is an entry in ClinVar:

NM_032447.5(FBN3):c.5857C>T (p.Arg1953Cys)

Gene: FBN3 (fibrillin 3; minus strand). Cytogenetic location: 19p13.2.
Variant type: single nucleotide variant.
Coding change: c.5857C>T on transcript NM_032447.5 (MANE Select); coding-DNA position 5857, C replaced by T.
Protein change: p.Arg1953Cys; replaces arginine 1953 with cysteine.
Molecular consequence: missense variant.
Genome position (GRCh38, 1-based): chr19:8,094,494, G>A on the plus strand (C>T on the coding strand, the complement: FBN3 is on the minus strand). VCF-style: chr19-8094494-G-A. GRCh37 (hg19) VCF-style: chr19-8159378-G-A.
Other names: c.5857C>T (NM_032447.3); c.5857C>T, p.Arg1953Cys (NM_001321431.2); short protein forms R1953C.
Identifiers: ClinVar variation 2053933 (VCV002053933.5), dbSNP rs149496112, ClinGen allele CA9151514.

ClinVar aggregate classification (germline): Uncertain significance. Review status: criteria provided, multiple submitters, no conflicts (2 of 4 stars). 2 submissions from 2 submitters: Uncertain significance (2). Last evaluated 2025-12-16.

Allele frequency attached by ClinVar (database versions not stated): gnomAD 0.00019; gnomAD exomes 0.00022; ESP Exome Variant Server 0.00023; ExAC 0.00027; TOPMed 0.00036; 1000 Genomes Project 30x 0.00047; 1000 Genomes Project 0.00060.

Submissions (2):

Labcorp Genetics (formerly Invitae), Labcorp
Classification: Uncertain significance. Last evaluated: 2025-12-16. Review status: criteria provided, single submitter. Criteria: Invitae Variant Classification Sherloc (09022015). Collection method: clinical testing. Allele origin: germline.
Comment: This sequence change replaces arginine, which is basic and polar, with cysteine, which is neutral and slightly polar, at codon 1953 of the FBN3 protein (p.Arg1953Cys). This variant is present in population databases (rs149496112, gnomAD 0.1%), and has an allele count higher than expected for a pathogenic variant. This variant has not been reported in the literature in individuals affected with FBN3-related conditions. ClinVar contains an entry for this variant (Variation ID: 2053933). Invitae Evidence Modeling of protein sequence and biophysical properties (such as structural, functional, and spatial information, amino acid conservation, physicochemical variation, residue mobility, and thermodynamic stability) indicates that this missense variant is expected to disrupt FBN3 protein function with a positive predictive value of 80%. In summary, the available evidence is currently insufficient to determine the role of this variant in disease. Therefore, it has been classified as a Variant of Uncertain Significance.

Ambry Genetics
Classification: Uncertain significance. Last evaluated: 2025-08-21. Review status: criteria provided, single submitter. Criteria: Ambry Variant Classification Scheme 2023. Collection method: clinical testing. Allele origin: germline.